The following is an entry in ClinVar:

ClinVar aggregate classification (germline): Uncertain significance (1 of 4 stars; one submission).

gnomAD v4.1: 7 of 1,607,022 alleles (0.00044%); highest among the groups gnomAD compares: African/African-American, 0.0067%; no homozygotes.

Submission:

Labcorp Genetics (formerly Invitae), Labcorp
Classification: Uncertain significance. Last evaluated: 2025-03-18. Review status: criteria provided, single submitter. Criteria: Invitae Variant Classification Sherloc (09022015). Collection method: clinical testing. Allele origin: germline.
Comment: This sequence change replaces glycine, which is neutral and non-polar, with arginine, which is basic and polar, at codon 1411 of the KMT2B protein (p.Gly1411Arg). This variant is present in population databases (no rsID available, gnomAD 0.01%). This variant has not been reported in the literature in individuals affected with KMT2B-related conditions. Invitae Evidence Modeling of protein sequence and biophysical properties (such as structural, functional, and spatial information, amino acid conservation, physicochemical variation, residue mobility, and thermodynamic stability) indicates that this missense variant is not expected to disrupt KMT2B protein function with a negative predictive value of 95%. In summary, the available evidence is currently insufficient to determine the role of this variant in disease. Therefore, it has been classified as a Variant of Uncertain Significance.

NM_014727.3(KMT2B):c.4231G>C (p.Gly1411Arg)

Gene: KMT2B (lysine methyltransferase 2B; plus strand). Cytogenetic location: 19q13.12.
Variant type: single nucleotide variant.
Coding change: c.4231G>C on transcript NM_014727.3 (MANE Select); coding-DNA position 4231, G replaced by C.
Protein change: p.Gly1411Arg; replaces glycine 1411 with arginine.
Molecular consequence: missense variant.
Genome position (GRCh38, 1-based): chr19:35,727,551, G>C. VCF-style: chr19-35727551-G-C. GRCh37 (hg19) VCF-style: chr19-36218452-G-C.
Other names: short protein forms G1411R.
Identifiers: ClinVar variation 4750401 (VCV004750401.1).